The following is an entry in ClinVar:

ClinVar aggregate classification (germline): Pathogenic (1 of 4 stars; one submission).

Conditions:
Pseudo-Hurler polydystrophy. Also called: Type III Mucolipidosis; ML IIIA; MUCOLIPIDOSIS IIIA; Mucolipidosis III Alpha/Beta; ML III; ML III ALPHA/BETA. Identifiers: Orphanet 423461, Orphanet 577, MedGen C0033788, MONDO:0018931, OMIM 252600.

Submission:

Payam Genetics Center, General Welfare Department of North Khorasan Province
Classification: Pathogenic for Pseudo-Hurler polydystrophy. Last evaluated: 2023-03-01. Review status: criteria provided, single submitter. Criteria: ACMG Guidelines, 2015. Collection method: clinical testing. Allele origin: germline. Affected: no. Observed: 1 variant allele.
Comment: The GNPTAB c.*295T>C (p.Gln99*) is a missense mutation and results at the protein level is a disfunctional or truncated protein by creation of the new stop codon, predicted lead to disease.This variant is not present in population databases (ExAC no frequency) and was not found in 1000G, Genom AD exome, genome and Iranom. This variant has not been reported in the literature in individuals affected with GNPTAB-related conditions. This variant as Pathogenic according to the AMCG classification.

(p.Phe398Ser)

NM_024312.5(GNPTAB):c.*295T>C

Gene: GNPTAB (N-acetylglucosamine-1-phosphate transferase subunits alpha and beta; minus strand). Cytogenetic location: 12q23.2.
Variant type: single nucleotide variant.
Coding change: c.*295T>C on transcript NM_024312.5 (MANE Select); 295 bases downstream of the stop codon, T replaced by C.
Molecular consequence: 3 prime UTR variant.
Genome position (GRCh38, 1-based): chr12:101,746,869, A>G on the plus strand (T>C on the coding strand, the complement: GNPTAB is on the minus strand). VCF-style: chr12-101746869-A-G. GRCh37 (hg19) VCF-style: chr12-102140647-A-G.
Identifiers: ClinVar variation 2499513 (VCV002499513.2), dbSNP rs2547946899, ClinGen allele CA2580085640.